The following is an entry in ClinVar:

NM_001127222.2(CACNA1A):c.1923C>T (p.Phe641=)

Gene: CACNA1A (calcium voltage-gated channel subunit alpha1 A; minus strand). Cytogenetic location: 19p13.13.
Variant type: single nucleotide variant.
Coding change: c.1923C>T on transcript NM_001127222.2 (MANE Select); coding-DNA position 1923, C replaced by T.
Protein change: p.Phe641=; no amino-acid change (phenylalanine 641 retained).
Molecular consequence: synonymous variant.
Genome position (GRCh38, 1-based): chr19:13,307,845, G>A on the plus strand (C>T on the coding strand, the complement: CACNA1A is on the minus strand). VCF-style: chr19-13307845-G-A. GRCh37 (hg19) VCF-style: chr19-13418659-G-A.
Other names: c.1926C>T, p.Phe642= (NM_000068.4, NM_001127221.2, NM_001174080.2 and 1 more transcripts).
Identifiers: ClinVar variation 2649389 (VCV002649389.27), dbSNP rs772832553, ClinGen allele CA9240682.

ClinVar aggregate classification (germline): Likely benign. Review status: criteria provided, multiple submitters, no conflicts (2 of 4 stars). 2 submissions from 2 submitters: Likely benign (2). Last evaluated 2025-08-07.

Conditions:
Developmental and epileptic encephalopathy, 42 (DEE42A). Also called: Epileptic encephalopathy, early infantile, 42; DEVELOPMENTAL AND EPILEPTIC ENCEPHALOPATHY 42A; EPILEPTIC ENCEPHALOPATHY, EARLY INFANTILE, 42A. Identifiers: MedGen C4310716, MONDO:0014917, OMIM 617106.
Episodic ataxia type 2 (EA2). Also called: ATAXIA, EPISODIC, WITH NYSTAGMUS; ATAXIA, FAMILIAL PAROXYSMAL; CEREBELLAR ATAXIA, PAROXYSMAL, ACETAZOLAMIDE-RESPONSIVE; CEREBELLOPATHY, HEREDITARY PAROXYSMAL; EPISODIC ATAXIA, NYSTAGMUS-ASSOCIATED; ACETAZOLAMIDE-RESPONSIVE HEREDITARY PAROXYSMAL CEREBELLAR ATAXIA. Identifiers: Orphanet 97, MedGen C1720416, MONDO:0007163, OMIM 108500.

Allele frequency attached by ClinVar (database versions not stated): TOPMed below 0.00001; gnomAD 0.00001; gnomAD exomes 0.00001; ExAC 0.00003.
gnomAD v4.1: 12 of 1,613,768 alleles (0.00074%); highest among the groups gnomAD compares: South Asian, 0.0066%; no homozygotes.

Submissions (2):

Labcorp Genetics (formerly Invitae), Labcorp
Classification: Likely benign for Developmental and epileptic encephalopathy, 42; Episodic ataxia type 2. Last evaluated: 2025-08-07. Review status: criteria provided, single submitter. Criteria: Invitae Variant Classification Sherloc (09022015). Collection method: clinical testing. Allele origin: germline.

CeGaT Center for Human Genetics Tuebingen
Classification: Likely benign. Last evaluated: 2022-12-01. Review status: criteria provided, single submitter. Criteria: CeGaT Center For Human Genetics Tuebingen Variant Classification Criteria Version 2. Collection method: clinical testing. Allele origin: germline. Affected: yes. Observed: 1 variant allele.
Comment: CACNA1A: BP4, BP7